The following is an entry in ClinVar:

ClinVar aggregate classification (germline): Uncertain significance (1 of 4 stars; one submission).

gnomAD v4.1: 1 of 1,447,918 alleles (0.000069%); highest among the groups gnomAD compares: Non-Finnish European, 0.000095%; no homozygotes.

Submission:

Ambry Genetics
Classification: Uncertain significance. Last evaluated: 2025-04-07. Review status: criteria provided, single submitter. Criteria: Ambry Variant Classification Scheme 2023. Collection method: clinical testing. Allele origin: germline.
Comment: The p.S1188L variant (also known as c.3563C>T), located in coding exon 4 of the MLH3 gene, results from a C to T substitution at nucleotide position 3563. The serine at codon 1188 is replaced by leucine, an amino acid with dissimilar properties. This amino acid position is conserved. In addition, this alteration is predicted to be deleterious by in silico analysis. Based on the available evidence, the clinical significance of this variant remains unclear.

NM_001040108.2(MLH3):c.3563C>T (p.Ser1188Leu)

Gene: MLH3 (mutL homolog 3; minus strand). Cytogenetic location: 14q24.3.
Variant type: single nucleotide variant.
Coding change: c.3563C>T on transcript NM_001040108.2 (MANE Select); coding-DNA position 3563, C replaced by T.
Protein change: p.Ser1188Leu; replaces serine 1188 with leucine.
Molecular consequence: missense variant.
Genome position (GRCh38, 1-based): chr14:75,039,918, G>A on the plus strand (C>T on the coding strand, the complement: MLH3 is on the minus strand). VCF-style: chr14-75039918-G-A. GRCh37 (hg19) VCF-style: chr14-75506621-G-A.
Other names: c.3563C>T, p.Ser1188Leu (NM_014381.3); short protein forms S1188L.
Identifiers: ClinVar variation 4055476 (VCV004055476.1).